The following is an entry in ClinVar:

NM_005359.6(SMAD4):c.310C>G (p.Leu104Val)

Gene: SMAD4 (SMAD family member 4; plus strand). Cytogenetic location: 18q21.2.
Variant type: single nucleotide variant.
Coding change: c.310C>G on transcript NM_005359.6 (MANE Select); coding-DNA position 310, C replaced by G.
Protein change: p.Leu104Val; replaces leucine 104 with valine.
Molecular consequence: missense variant. On other transcripts: non-coding transcript variant (2).
Genome position (GRCh38, 1-based): chr18:51,048,746, C>G. VCF-style: chr18-51048746-C-G. GRCh37 (hg19) VCF-style: chr18-48575116-C-G.
Other names: c.310C>G, p.Leu104Val (NM_001407041.1, NM_001407042.1, NM_001407043.1); short protein forms L104V.
Identifiers: ClinVar variation 3073106 (VCV003073106.2), dbSNP rs2144405475, ClinGen allele CA402458299.

ClinVar aggregate classification (germline): Uncertain significance. Review status: criteria provided, multiple submitters, no conflicts (2 of 4 stars). 2 submissions from 2 submitters: Uncertain significance (2). Last evaluated 2025-12-29.

Conditions:
Juvenile polyposis syndrome (JPS). Identifiers: Orphanet 2929, MedGen C0345893, MONDO:0017380, OMIM 174900.
Juvenile polyposis/hereditary hemorrhagic telangiectasia syndrome (JPHT). Also called: Juvenile Polyposis Syndrome / Hereditary Hemorrhagic Telangiectasia (JPS/HHT); JP/HHT SYNDROME; JUVENILE POLYPOSIS WITH HEREDITARY HEMORRHAGIC TELANGIECTASIA; POLYPOSIS, GENERALIZED JUVENILE, WITH PULMONARY ARTERIOVENOUS MALFORMATION; TELANGIECTASIA, HEREDITARY HEMORRHAGIC, WITH JUVENILE POLYPOSIS COLI. Identifiers: Orphanet 2929, MedGen C1832942, MONDO:0008278, OMIM 175050.

Submissions (2):

Labcorp Genetics (formerly Invitae), Labcorp
Classification: Uncertain significance for Juvenile polyposis syndrome. Last evaluated: 2025-12-29. Review status: criteria provided, single submitter. Criteria: Invitae Variant Classification Sherloc (09022015). Collection method: clinical testing. Allele origin: germline.
Comment: This sequence change replaces leucine, which is neutral and non-polar, with valine, which is neutral and non-polar, at codon 104 of the SMAD4 protein (p.Leu104Val). This variant is not present in population databases (gnomAD no frequency). This variant has not been reported in the literature in individuals affected with SMAD4-related conditions. ClinVar contains an entry for this variant (Variation ID: 3073106). Invitae Evidence Modeling of protein sequence and biophysical properties (such as structural, functional, and spatial information, amino acid conservation, physicochemical variation, residue mobility, and thermodynamic stability) has been performed for this missense variant. However, the output from this modeling did not meet the statistical confidence thresholds required to predict the impact of this variant on SMAD4 protein function. In summary, the available evidence is currently insufficient to determine the role of this variant in disease. Therefore, it has been classified as a Variant of Uncertain Significance.

All of Us Research Program, National Institutes of Health
Classification: Uncertain significance for Juvenile polyposis/hereditary hemorrhagic telangiectasia syndrome. Last evaluated: 2023-08-23. Review status: criteria provided, single submitter. Criteria: ACMG Guidelines, 2015. Collection method: clinical testing. Allele origin: germline. Inheritance: Autosomal dominant inheritance. Observed: 1 variant allele, 1 heterozygote.
Comment: This missense variant replaces leucine with valine at codon 104 of the SMAD4 protein. Computational prediction suggests that this variant may have deleterious impact on protein structure and function (internally defined REVEL score threshold >= 0.7, PMID: 27666373). To our knowledge, functional studies have not been reported for this variant. This variant has not been reported in individuals affected with SMAD4-related disorders in the literature. This variant has not been identified in the general population by the Genome Aggregation Database (gnomAD). The available evidence is insufficient to determine the role of this variant in disease conclusively. Therefore, this variant is classified as a Variant of Uncertain Significance.

This study involves interpretation of variants in research participants for the purpose of population health screening. Participant phenotype was not available at the time of variant classification. Additional details can be found in publication PMID: 35346344, PMCID: PMC8962531